The following is an entry in ClinVar:

ClinVar aggregate classification (germline): Likely benign (1 of 4 stars; one submission).

Allele frequency attached by ClinVar (database versions not stated): gnomAD 0.00001; ExAC 0.00002; gnomAD exomes 0.00002; TOPMed 0.00002.
gnomAD v4.1: 27 of 1,611,878 alleles (0.0017%); highest among the groups gnomAD compares: Admixed American, 0.0034%; no homozygotes.

Submission:

CeGaT Center for Human Genetics Tuebingen
Classification: Likely benign. Last evaluated: 2022-11-01. Review status: criteria provided, single submitter. Criteria: CeGaT Center For Human Genetics Tuebingen Variant Classification Criteria Version 2. Collection method: clinical testing. Allele origin: germline. Affected: yes. Observed: 1 variant allele.
Comment: SEC16A: BP4, BP7

NM_014866.2(SEC16A):c.6297G>A (p.Thr2099=)

Gene: SEC16A (SEC16 homolog A, endoplasmic reticulum export factor; minus strand). Cytogenetic location: 9q34.3.
Variant type: single nucleotide variant.
Coding change: c.6297G>A on transcript NM_014866.2 (MANE Select); coding-DNA position 6297, G replaced by A.
Protein change: p.Thr2099=; no amino-acid change (threonine 2099 retained).
Molecular consequence: synonymous variant.
Genome position (GRCh38, 1-based): chr9:136,451,271, C>T on the plus strand (G>A on the coding strand, the complement: SEC16A is on the minus strand). VCF-style: chr9-136451271-C-T. GRCh37 (hg19) VCF-style: chr9-139345723-C-T.
Other names: c.6297G>A, p.Thr2099= (NM_001276418.2).
Identifiers: ClinVar variation 2659737 (VCV002659737.24), dbSNP rs754378226, ClinGen allele CA5337607.